The following is an entry in ClinVar:

ClinVar aggregate classification (germline): Uncertain significance (1 of 4 stars; one submission).

Conditions:
Menkes kinky-hair syndrome (MNK). Also called: Menkes Disease; Copper transport disease; Classic Menkes Disease. Identifiers: Orphanet 565, MedGen C0022716, MONDO:0010651, OMIM 309400.
Cutis laxa, X-linked (OHS). Also called: EDS IX; Occipital horn syndrome. Identifiers: Orphanet 198, MedGen C0268353, MONDO:0010572, OMIM 304150.
X-linked distal spinal muscular atrophy type 3. Also called: ATP7A-Related Distal Motor Neuropathy; SPINAL MUSCULAR ATROPHY, DISTAL, X-LINKED RECESSIVE; NEURONOPATHY, DISTAL HEREDITARY MOTOR, X-LINKED; NEUROPATHY, DISTAL HEREDITARY MOTOR, X-LINKED. Identifiers: Orphanet 139557, MedGen C1845359, MONDO:0010338, OMIM 300489.

Submission:

Labcorp Genetics (formerly Invitae), Labcorp
Classification: Uncertain significance for X-linked distal spinal muscular atrophy type 3; Cutis laxa, X-linked; Menkes kinky-hair syndrome. Last evaluated: 2025-08-09. Review status: criteria provided, single submitter. Criteria: Invitae Variant Classification Sherloc (09022015). Collection method: clinical testing. Allele origin: germline.
Comment: This sequence change replaces lysine, which is basic and polar, with threonine, which is neutral and polar, at codon 46 of the ATP7A protein (p.Lys46Thr). This variant is not present in population databases (gnomAD no frequency). This variant has not been reported in the literature in individuals affected with ATP7A-related conditions. Invitae Evidence Modeling of protein sequence and biophysical properties (such as structural, functional, and spatial information, amino acid conservation, physicochemical variation, residue mobility, and thermodynamic stability) indicates that this missense variant is not expected to disrupt ATP7A protein function with a negative predictive value of 95%. In summary, the available evidence is currently insufficient to determine the role of this variant in disease. Therefore, it has been classified as a Variant of Uncertain Significance.

NM_000052.7(ATP7A):c.137A>C (p.Lys46Thr)

Gene: ATP7A (ATPase copper transporting alpha; plus strand). Cytogenetic location: Xq21.1.
Variant type: single nucleotide variant.
Coding change: c.137A>C on transcript NM_000052.7 (MANE Select); coding-DNA position 137, A replaced by C.
Protein change: p.Lys46Thr; replaces lysine 46 with threonine.
Molecular consequence: missense variant.
Genome position (GRCh38, 1-based): chrX:77,988,258, A>C. VCF-style: chrX-77988258-A-C. GRCh37 (hg19) VCF-style: chrX-77243754-A-C.
Other names: c.137A>C, p.Lys46Thr (NM_001282224.2); short protein forms K46T.
Identifiers: ClinVar variation 4787957 (VCV004787957.1).